The following is an entry in ClinVar:

NC_000009.12:g.130677193_130686925del

Genes: PRDM12 (PR/SET domain 12; plus strand), LOC130002813 (ATAC-STARR-seq lymphoblastoid silent region 20403; plus strand), LOC130002814 (ATAC-STARR-seq lymphoblastoid active region 29155; plus strand). Cytogenetic location: 9q34.12.
Variant type: Deletion.
Genome position: GRCh38: chr9:130,677,193-130,686,925. GRCh37 (hg19): chr9:133,552,580-133,562,312.
Identifiers: ClinVar variation 689497 (VCV000689497.5), ClinGen allele CA915947240.

ClinVar aggregate classification (germline): Pathogenic (1 of 4 stars; one submission).

Conditions:
Congenital insensitivity to pain-hypohidrosis syndrome. Also called: Neuropathy, hereditary sensory and autonomic, type VIII; HSAN VIII. Identifiers: Orphanet 478664, MedGen C4225308, MONDO:0014662, OMIM 616488.

Submission:

Genomic Research Center, Shahid Beheshti University of Medical Sciences
Classification: Pathogenic for Neuropathy, hereditary sensory and autonomic, type VIII. Last evaluated: 2019-09-02. Review status: criteria provided, single submitter. Criteria: ACMG Guidelines, 2015. Collection method: clinical testing. Allele origin: inherited. Inheritance: Autosomal recessive inheritance. Affected: yes.
Comment: This mutation was identified in two affected patients.